The following is an entry in ClinVar:

ClinVar aggregate classification (germline): Uncertain significance (1 of 4 stars; one submission).

Conditions:
Deficiency of 3-hydroxyacyl-CoA dehydrogenase. Also called: HADH DEFICIENCY; 3-hydroxyacyl-CoA dehydrogenase deficiency. Identifiers: Orphanet 309127, Orphanet 71212, MedGen C1291230, MONDO:0017715, OMIM 231530.

Submission:

Labcorp Genetics (formerly Invitae), Labcorp
Classification: Uncertain significance for Deficiency of 3-hydroxyacyl-CoA dehydrogenase. Last evaluated: 2022-03-08. Review status: criteria provided, single submitter. Criteria: Invitae Variant Classification Sherloc (09022015). Collection method: clinical testing. Allele origin: germline.
Comment: In summary, the available evidence is currently insufficient to determine the role of this variant in disease. Therefore, it has been classified as a Variant of Uncertain Significance. Experimental studies and prediction algorithms are not available or were not evaluated, and the functional significance of this variant is currently unknown. This variant has not been reported in the literature in individuals affected with HADH-related conditions. This variant is present in population databases (rs763318550, gnomAD 0.007%). This variant, c.241_243del, results in the deletion of 1 amino acid(s) of the HADH protein (p.Lys81del), but otherwise preserves the integrity of the reading frame.

NM_005327.7(HADH):c.235AAG[2] (p.Lys81del)

Gene: HADH (hydroxyacyl-CoA dehydrogenase; plus strand). Cytogenetic location: 4q25.
Variant type: Microsatellite.
Coding change: c.235AAG[2] on transcript NM_005327.7 (MANE Select); two copies in a row of the 3-base unit AAG starting at c.235; the reference has three copies in a row; one copy, 3 bases deleted.
Protein change: p.Lys81del; deletes lysine 81.
Molecular consequence: inframe deletion.
Genome position (GRCh38, 1-based): chr4:108,009,867-108,009,869, AAG deleted; deleting any 3 consecutive bases within chr4:108,009,861-108,009,869 gives the same sequence; the position shown is the placement nearest the transcript's 3' end. VCF-style (leftmost placement, unchanged base first): chr4-108009860-AAAG-A. GRCh37 (hg19) VCF-style: chr4-108931016-AAAG-A.
Other names: c.235AAG[2], p.Lys81del (NM_001184705.4); c.247AAG[2], p.Lys85del (NM_001331027.2); short protein forms K81del, K85del.
Identifiers: ClinVar variation 1477167 (VCV001477167.6), dbSNP rs763318550, ClinGen allele CA3037388.
Genomic context (GRCh38, chr4:108,009,860, plus strand): 5'-GACAGAGGACATCCTGGCAAAATCCAAAAAGGGAATTGAGGAAAGCCTTAGGAAAGTGGC[AAAG>A]AAGAAGTTTGCAGAAAACCTTAAGGTAATTTCTTATTATCGATGTCTTCAAGACAAGTCC-3'